The following is an entry in ClinVar:

ClinVar aggregate classification (germline): Uncertain significance (1 of 4 stars; one submission).

Submission:

GeneDx
Classification: Uncertain significance. Last evaluated: 2024-01-04. Review status: criteria provided, single submitter. Criteria: GeneDx Variant Classification Process June 2021. Collection method: clinical testing. Allele origin: germline. Affected: yes.
Comment: Not observed at significant frequency in large population cohorts (gnomAD); In silico analysis supports that this missense variant has a deleterious effect on protein structure/function; Has not been previously published as pathogenic or benign to our knowledge

NM_001365088.1(SLC12A6):c.1817T>C (p.Phe606Ser)

Gene: SLC12A6 (solute carrier family 12 member 6; minus strand). Cytogenetic location: 15q14.
Variant type: single nucleotide variant.
Coding change: c.1817T>C on transcript NM_001365088.1 (MANE Select); coding-DNA position 1817, T replaced by C.
Protein change: p.Phe606Ser; replaces phenylalanine 606 with serine.
Molecular consequence: missense variant.
Genome position (GRCh38, 1-based): chr15:34,245,700, A>G on the plus strand (T>C on the coding strand, the complement: SLC12A6 is on the minus strand). VCF-style: chr15-34245700-A-G. GRCh37 (hg19) VCF-style: chr15-34537901-A-G.
Other names: c.1640T>C, p.Phe547Ser (NM_001042494.2, NM_001042495.2); c.1790T>C, p.Phe597Ser (NM_001042496.2); c.1772T>C, p.Phe591Ser (NM_001042497.2); c.1664T>C, p.Phe555Ser (NM_005135.2); c.1817T>C, p.Phe606Ser (NM_133647.2); short protein forms F547S, F555S, F591S, F597S, F606S.
Identifiers: ClinVar variation 3367486 (VCV003367486.1).